The following is an entry in ClinVar:

NM_003995.4(NPR2):c.208G>A (p.Glu70Lys)

Gene: NPR2 (natriuretic peptide receptor 2; plus strand). Cytogenetic location: 9p13.3.
Variant type: single nucleotide variant.
Coding change: c.208G>A on transcript NM_003995.4 (MANE Select); coding-DNA position 208, G replaced by A.
Protein change: p.Glu70Lys; replaces glutamic acid 70 with lysine.
Molecular consequence: missense variant.
Genome position (GRCh38, 1-based): chr9:35,792,616, G>A. VCF-style: chr9-35792616-G-A. GRCh37 (hg19) VCF-style: chr9-35792613-G-A.
Other names: c.208G>A, p.Glu70Lys (NM_001378923.1); short protein forms E70K.
Identifiers: ClinVar variation 3382085 (VCV003382085.2).

ClinVar aggregate classification (germline): Uncertain significance (1 of 4 stars; one submission).

Conditions:
Acromesomelic dysplasia 1, Maroteaux type (AMD1). Also called: ST. HELENA DYSPLASIA; ACROMESOMELIC DYSPLASIA 1. Identifiers: Orphanet 40, MedGen C1864356, MONDO:0011275, OMIM 602875.

Submission:

Juno Genomics, Hangzhou Juno Genomics, Inc
Classification: Uncertain significance for Acromesomelic dysplasia 1, Maroteaux type. Review status: criteria provided, single submitter. Criteria: ACMG Guidelines, 2015. Collection method: clinical testing. Allele origin: germline. Affected: yes.
Comment: Absent from controls (or at extremely low frequency if recessive) in Genome Aggregation Database, Exome Sequencing Project, 1000 Genomes Project, or Exome Aggregation Consortium.;For recessive disorders, detected in trans with a pathogenic variant.;Patient's phenotype or family history is highly specific for a disease with a single genetic etiology.